The following is an entry in ClinVar:

ClinVar aggregate classification (germline): Uncertain significance (1 of 4 stars; one submission).

Conditions:
Intellectual developmental disorder with dysmorphic facies and ptosis (IDDDFP). Identifiers: Orphanet 698090, MedGen C4310617, MONDO:0015022, OMIM 617333.

Submission:

Baylor Genetics
Classification: Uncertain significance for Intellectual developmental disorder with dysmorphic facies and ptosis. Last evaluated: 2018-06-13. Review status: criteria provided, single submitter. Criteria: ACMG Guidelines, 2015. Collection method: clinical testing. Allele origin: paternal. Affected: yes.
Comment: This variant was determined to be of uncertain significance according to ACMG Guidelines, 2015 [PMID:25741868].

NM_001003694.2(BRPF1):c.2297A>G (p.His766Arg)

Gene: BRPF1 (bromodomain and PHD finger containing 1; plus strand). Cytogenetic location: 3p25.3.
Variant type: single nucleotide variant.
Coding change: c.2297A>G on transcript NM_001003694.2 (MANE Select); coding-DNA position 2297, A replaced by G.
Protein change: p.His766Arg; replaces histidine 766 with arginine.
Molecular consequence: missense variant. On other transcripts: non-coding transcript variant (1).
Genome position (GRCh38, 1-based): chr3:9,743,239, A>G. VCF-style: chr3-9743239-A-G. GRCh37 (hg19) VCF-style: chr3-9784923-A-G.
Other names: c.2279A>G, p.His760Arg (NM_001319049.2, NM_001319050.2, NM_004634.3); short protein forms H760R, H766R.
Identifiers: ClinVar variation 1031690 (VCV001031690.1), dbSNP rs1418794034, ClinGen allele CA351696417.
Genomic context (GRCh38, chr3:9,743,239, plus strand): 5'-GCATTGACTTTGAGACGGGCATGCATATCCCCCACAGCCTGGCTGGAGATGAGGCCACAC[A>G]CCACACTGAAGATGGTGGGTGATATATCACACACACATATAAGAGGCCAATGCCGGGGAT-3'
Protein context (NP_001003694.1, residues 756-776): PHSLAGDEAT[His766Arg]HTEDAAEEER